The following is an entry in ClinVar:

NM_012431.3(SEMA3E):c.802C>A (p.Arg268=)

Gene: SEMA3E (semaphorin 3E; minus strand). Cytogenetic location: 7q21.11.
Variant type: single nucleotide variant.
Coding change: c.802C>A on transcript NM_012431.3 (MANE Select); coding-DNA position 802, C replaced by A.
Protein change: p.Arg268=; no amino-acid change (arginine 268 retained).
Molecular consequence: synonymous variant.
Genome position (GRCh38, 1-based): chr7:83,407,108, G>T on the plus strand (C>A on the coding strand, the complement: SEMA3E is on the minus strand). VCF-style: chr7-83407108-G-T. GRCh37 (hg19) VCF-style: chr7-83036424-G-T.
Other names: c.622C>A, p.Arg208= (NM_001178129.2).
Identifiers: ClinVar variation 745015 (VCV000745015.11), dbSNP rs769859383, ClinGen allele CA4322213.

ClinVar aggregate classification (germline): Likely benign. Review status: criteria provided, single submitter (1 of 4 stars). 2 submissions from 2 submitters: Likely benign (1). 1 of the submissions does not count toward it. Last evaluated 2025-10-08.

Conditions:
SEMA3E-related disorder. Also called: SEMA3E-related condition.
CHARGE syndrome (CHARGE). Also called: Hittner Hirsch Kreh syndrome; CHARGE ASSOCIATION--COLOBOMA, HEART ANOMALY, CHOANAL ATRESIA, RETARDATION, GENITAL AND EAR ANOMALIES; Coloboma, heart anomaly, choanal atresia, retardation, genital and ear anomalies; CHARGE association; Hall-Hittner syndrome. Identifiers: Orphanet 138, MedGen C0265354, MONDO:0008965.

Allele frequency attached by ClinVar (database versions not stated): gnomAD exomes 0.00001; ExAC 0.00002.
gnomAD v4.1: 11 of 1,613,260 alleles (0.00068%); highest among the groups gnomAD compares: African/African-American, 0.0013%; no homozygotes.

Submissions (2):

Labcorp Genetics (formerly Invitae), Labcorp
Classification: Likely benign for CHARGE syndrome. Last evaluated: 2025-10-08. Review status: criteria provided, single submitter. Criteria: Invitae Variant Classification Sherloc (09022015). Collection method: clinical testing. Allele origin: germline.

PreventionGenetics, part of Exact Sciences
Classification: Likely benign for SEMA3E-related condition. Last evaluated: 2023-04-13. Review status: no assertion criteria provided. Collection method: clinical testing. Allele origin: germline. Not counted in ClinVar's aggregate classification.
Comment: This variant is classified as likely benign based on ACMG/AMP sequence variant interpretation guidelines (Richards et al. 2015 PMID: 25741868, with internal and published modifications).